The following is an entry in ClinVar:

NM_002432.3(MNDA):c.799A>G (p.Thr267Ala)

Gene: MNDA (myeloid cell nuclear differentiation antigen; plus strand). Cytogenetic location: 1q23.1.
Variant type: single nucleotide variant.
Coding change: c.799A>G on transcript NM_002432.3 (MANE Select); coding-DNA position 799, A replaced by G.
Protein change: p.Thr267Ala; replaces threonine 267 with alanine.
Molecular consequence: missense variant.
Genome position (GRCh38, 1-based): chr1:158,845,815, A>G. VCF-style: chr1-158845815-A-G. GRCh37 (hg19) VCF-style: chr1-158815605-A-G.
Other names: short protein forms T267A.
Identifiers: ClinVar variation 3222208 (VCV003222208.1), dbSNP rs1659122392, ClinGen allele CA343041786.

ClinVar aggregate classification (germline): Uncertain significance (1 of 4 stars; one submission).

Allele frequency attached by ClinVar (database versions not stated): TOPMed below 0.00001; gnomAD 0.00001; gnomAD exomes 0.00001.
gnomAD v4.1: 4 of 1,614,096 alleles (0.00025%); highest among the groups gnomAD compares: Non-Finnish European, 0.00034%; no homozygotes.

Submission:

Ambry Genetics
Classification: Uncertain significance. Last evaluated: 2023-10-22. Review status: criteria provided, single submitter. Criteria: Ambry Variant Classification Scheme 2023. Collection method: clinical testing. Allele origin: germline.
Comment: The p.T267A variant (also known as c.799A>G), located in coding exon 4 of the MNDA gene, results from an A to G substitution at nucleotide position 799. The threonine at codon 267 is replaced by alanine, an amino acid with similar properties. This amino acid position is conserved. In addition, this alteration is predicted to be tolerated by in silico analysis. Since supporting evidence is limited at this time, the clinical significance of this alteration remains unclear.